The following is an entry in ClinVar:

NM_006384.4(CIB1):c.132C>A (p.Ser44Arg)

Gene: CIB1 (calcium and integrin binding 1; minus strand). Cytogenetic location: 15q26.1.
Variant type: single nucleotide variant.
Coding change: c.132C>A on transcript NM_006384.4 (MANE Select); coding-DNA position 132, C replaced by A.
Protein change: p.Ser44Arg; replaces serine 44 with arginine.
Molecular consequence: missense variant. On other transcripts: non-coding transcript variant (2).
Genome position (GRCh38, 1-based): chr15:90,232,282, G>T on the plus strand (C>A on the coding strand, the complement: CIB1 is on the minus strand). VCF-style: chr15-90232282-G-T. GRCh37 (hg19) VCF-style: chr15-90775514-G-T.
Other names: c.252C>A, p.Ser84Arg (NM_001277764.2); short protein forms S84R, S44R.
Identifiers: ClinVar variation 1483232 (VCV001483232.6), dbSNP rs1127801, ClinGen allele CA7734306.

ClinVar aggregate classification (germline): Uncertain significance (1 of 4 stars; one submission).

Allele frequency attached by ClinVar (database versions not stated): ExAC 0.00002.
gnomAD v4.1: 3 of 1,612,150 alleles (0.00019%); highest among the groups gnomAD compares: East Asian, 0.0045%; no homozygotes.

Submission:

Labcorp Genetics (formerly Invitae), Labcorp
Classification: Uncertain significance. Last evaluated: 2021-08-23. Review status: criteria provided, single submitter. Criteria: Invitae Variant Classification Sherloc (09022015). Collection method: clinical testing. Allele origin: germline.
Comment: This sequence change replaces serine with arginine at codon 84 of the CIB1 protein (p.Ser84Arg). The serine residue is moderately conserved and there is a moderate physicochemical difference between serine and arginine. This variant is present in population databases (rs1127801, ExAC 0.01%). This variant has not been reported in the literature in individuals affected with CIB1-related conditions. Algorithms developed to predict the effect of missense changes on protein structure and function are either unavailable or do not agree on the potential impact of this missense change (SIFT: "Deleterious"; PolyPhen-2: "Not Available"; Align-GVGD: "Class C0"). In summary, the available evidence is currently insufficient to determine the role of this variant in disease. Therefore, it has been classified as a Variant of Uncertain Significance.